The following is an entry in ClinVar:

NM_144967.4(ARHGAP36):c.1579C>T (p.Arg527Cys)

Gene: ARHGAP36 (Rho GTPase activating protein 36; plus strand). Cytogenetic location: Xq26.1.
Variant type: single nucleotide variant.
Coding change: c.1579C>T on transcript NM_144967.4 (MANE Select); coding-DNA position 1579, C replaced by T.
Protein change: p.Arg527Cys; replaces arginine 527 with cysteine.
Molecular consequence: missense variant.
Genome position (GRCh38, 1-based): chrX:131,088,720, C>T. VCF-style: chrX-131088720-C-T. GRCh37 (hg19) VCF-style: chrX-130222694-C-T.
Other names: c.1543C>T, p.Arg515Cys (NM_001282607.2); c.1171C>T, p.Arg391Cys (NM_001330651.1); short protein forms R391C, R515C, R527C.
Identifiers: ClinVar variation 3026271 (VCV003026271.22), dbSNP rs778733968, ClinGen allele CA414672029.
Genomic context (GRCh38, chrX:131,088,720, plus strand): 5'-ACTGCCCGTTCCCATGACGATGAGGAAGGAGCGGGTAACCCTCCCATTCCGGAGCAAGAC[C>T]GCCCATTGCTCCGTGTGCCCCGGGAGAAGGAGGCCAAAACTGGCGTCAGCTACTTCTTTC-3'
Protein context (NP_659404.2, residues 517-537): AGNPPIPEQD[Arg527Cys]PLLRVPREKE

ClinVar aggregate classification (germline): Likely benign (1 of 4 stars; one submission).

gnomAD v4.1: 2 of 1,211,620 alleles (0.00017%); highest among the groups gnomAD compares: Non-Finnish European, 0.00022%; no homozygotes.

Submission:

CeGaT Center for Human Genetics Tuebingen
Classification: Likely benign. Last evaluated: 2023-12-01. Review status: criteria provided, single submitter. Criteria: CeGaT Center For Human Genetics Tuebingen Variant Classification Criteria Version 2. Collection method: clinical testing. Allele origin: germline. Affected: yes. Observed: 1 variant allele.
Comment: ARHGAP36: BP4